The following is an entry in ClinVar:

ClinVar aggregate classification (germline): Likely benign (0 of 4 stars; one submission).

Conditions:
PHYKPL-related disorder. Also called: PHYKPL-related condition.

Allele frequency attached by ClinVar (database versions not stated): TOPMed 0.00020; gnomAD 0.00021; ExAC 0.00024; gnomAD exomes 0.00034; ESP Exome Variant Server 0.00038.
gnomAD v4.1: 525 of 1,613,902 alleles (0.033%); highest among the groups gnomAD compares: Non-Finnish European, 0.042%; 1 homozygote.

Submission:

PreventionGenetics, part of Exact Sciences
Classification: Likely benign for PHYKPL-related condition. Last evaluated: 2020-05-11. Review status: no assertion criteria provided. Collection method: clinical testing. Allele origin: germline.
Comment: This variant is classified as likely benign based on ACMG/AMP sequence variant interpretation guidelines (Richards et al. 2015 PMID: 25741868, with internal and published modifications).

NM_153373.4(PHYKPL):c.1176G>A (p.Leu392=)

Gene: PHYKPL (5-phosphohydroxy-L-lysine phospho-lyase; minus strand). Cytogenetic location: 5q35.3.
Variant type: single nucleotide variant.
Coding change: c.1176G>A on transcript NM_153373.4 (MANE Select); coding-DNA position 1176, G replaced by A.
Protein change: p.Leu392=; no amino-acid change (leucine 392 retained).
Molecular consequence: synonymous variant. On other transcripts: non-coding transcript variant (1).
Genome position (GRCh38, 1-based): chr5:178,213,100, C>T on the plus strand (G>A on the coding strand, the complement: PHYKPL is on the minus strand). VCF-style: chr5-178213100-C-T. GRCh37 (hg19) VCF-style: chr5-177640101-C-T.
Other names: c.1053G>A, p.Leu351= (NM_001278346.1); c.351G>A, p.Leu117= (NM_032921.1).
Identifiers: ClinVar variation 3035624 (VCV003035624.2), dbSNP rs149960850, ClinGen allele CA3590007.